The following is an entry in ClinVar:

ClinVar aggregate classification (germline): Benign (1 of 4 stars; one submission).

Conditions:
Autosomal recessive osteopetrosis 5. Identifiers: Orphanet 85179, MedGen C1968603, MONDO:0009817, OMIM 259720.

Allele frequency attached by ClinVar (database versions not stated): 1000 Genomes Project 0.03255; 1000 Genomes Project 30x 0.03295; gnomAD 0.03470 and 0.03604; TOPMed 0.03524.

Submission:

Illumina Laboratory Services, Illumina
Classification: Benign for Autosomal recessive osteopetrosis 5. Last evaluated: 2018-01-12. Review status: criteria provided, single submitter. Criteria: ICSL Variant Classification Criteria 13 December 2019. Collection method: clinical testing. Allele origin: germline.
Comment: This variant was observed in the ICSL laboratory as part of a predisposition screen in an ostensibly healthy population. It had not been previously curated by ICSL or reported in the Human Gene Mutation Database (HGMD: prior to June 1st, 2018), and was therefore a candidate for classification through an automated scoring system. Utilizing variant allele frequency, disease prevalence and penetrance estimates, and inheritance mode, an automated score was calculated to assess if this variant is too frequent to cause the disease. Based on the score and internal cut-off values, a variant classified as benign is not then subjected to further curation. The score for this variant resulted in a classification of benign for this disease.

NM_014028.4(OSTM1):c.*1574A>G

Gene: OSTM1 (osteoclastogenesis associated transmembrane protein 1; minus strand). Cytogenetic location: 6q21.
Variant type: single nucleotide variant.
Coding change: c.*1574A>G on transcript NM_014028.4 (MANE Select); 1574 bases downstream of the stop codon, A replaced by G.
Molecular consequence: 3 prime UTR variant.
Genome position (GRCh38, 1-based): chr6:108,043,211, T>C on the plus strand (A>G on the coding strand, the complement: OSTM1 is on the minus strand). VCF-style: chr6-108043211-T-C. GRCh37 (hg19) VCF-style: chr6-108364415-T-C.
Identifiers: ClinVar variation 354956 (VCV000354956.5), dbSNP rs41287528, ClinGen allele CA10621201.